The following is an entry in ClinVar:

NM_001378454.1(ALMS1):c.173C>G (p.Ser58Cys)

Gene: ALMS1 (ALMS1 centrosome and basal body associated protein; plus strand). Cytogenetic location: 2p13.1.
Variant type: single nucleotide variant.
Coding change: c.173C>G on transcript NM_001378454.1 (MANE Select); coding-DNA position 173, C replaced by G.
Protein change: p.Ser58Cys; replaces serine 58 with cysteine.
Molecular consequence: missense variant.
Genome position (GRCh38, 1-based): chr2:73,386,041, C>G. VCF-style: chr2-73386041-C-G. GRCh37 (hg19) VCF-style: chr2-73613169-C-G.
Other names: c.176C>G, p.Ser59Cys (NM_015120.4); short protein forms S59C, S58C.
Identifiers: ClinVar variation 1474336 (VCV001474336.4), dbSNP rs748571359, ClinGen allele CA1712758.

ClinVar aggregate classification (germline): Uncertain significance. Review status: criteria provided, multiple submitters, no conflicts (2 of 4 stars). 2 submissions from 2 submitters: Uncertain significance (2). Last evaluated 2024-05-25.

Conditions:
Cardiovascular phenotype. Identifiers: MedGen CN230736.
Alstrom syndrome (ALMS). Identifiers: Orphanet 64, MedGen C0268425, MONDO:0008763, OMIM 203800.

Allele frequency attached by ClinVar (database versions not stated): TOPMed below 0.00001; gnomAD exomes 0.00001; ExAC 0.00004.
gnomAD v4.1: 13 of 1,571,192 alleles (0.00083%); highest among the groups gnomAD compares: East Asian, 0.029%; no homozygotes.

Submissions (2):

Ambry Genetics
Classification: Uncertain significance for Cardiovascular phenotype. Last evaluated: 2024-05-25. Review status: criteria provided, single submitter. Criteria: Ambry Variant Classification Scheme 2023. Collection method: clinical testing. Allele origin: germline.
Comment: The p.S59C variant (also known as c.176C>G), located in coding exon 1 of the ALMS1 gene, results from a C to G substitution at nucleotide position 176. The serine at codon 59 is replaced by cysteine, an amino acid with dissimilar properties. This amino acid position is poorly conserved in available vertebrate species. In addition, this alteration is predicted to be tolerated by in silico analysis. Based on the available evidence, the clinical significance of this variant remains unclear.

Labcorp Genetics (formerly Invitae), Labcorp
Classification: Uncertain significance for Alstrom syndrome. Last evaluated: 2022-03-08. Review status: criteria provided, single submitter. Criteria: Invitae Variant Classification Sherloc (09022015). Collection method: clinical testing. Allele origin: germline.
Comment: This sequence change replaces serine, which is neutral and polar, with cysteine, which is neutral and slightly polar, at codon 59 of the ALMS1 protein (p.Ser59Cys). This variant is present in population databases (rs748571359, gnomAD 0.02%). This variant has not been reported in the literature in individuals affected with ALMS1-related conditions. Experimental studies and prediction algorithms are not available or were not evaluated, and the functional significance of this variant is currently unknown. In summary, the available evidence is currently insufficient to determine the role of this variant in disease. Therefore, it has been classified as a Variant of Uncertain Significance.